The following is an entry in ClinVar:

NM_001048174.2(MUTYH):c.484G>T (p.Ala162Ser)

Gene: MUTYH (mutY DNA glycosylase; minus strand). Cytogenetic location: 1p34.1.
Variant type: single nucleotide variant.
Coding change: c.484G>T on transcript NM_001048174.2 (MANE Select); coding-DNA position 484, G replaced by T.
Protein change: p.Ala162Ser; replaces alanine 162 with serine.
Molecular consequence: missense variant. On other transcripts: non-coding transcript variant (2).
Genome position (GRCh38, 1-based): chr1:45,332,771, C>A on the plus strand (G>T on the coding strand, the complement: MUTYH is on the minus strand). VCF-style: chr1-45332771-C-A. GRCh37 (hg19) VCF-style: chr1-45798443-C-A.
Other names: c.484G>T, p.Ala162Ser (NM_001048171.2, NM_001048173.2, NM_001293195.2); c.487G>T, p.Ala163Ser (NM_001048172.2); c.568G>T, p.Ala190Ser (NM_001128425.2); c.529G>T, p.Ala177Ser (NM_001293190.2); c.517G>T, p.Ala173Ser (NM_001293191.2); c.208G>T, p.Ala70Ser (NM_001293192.2, NM_001293196.2); c.139G>T, p.Ala47Ser (NM_001350650.2, NM_001350651.2); c.559G>T, p.Ala187Ser (NM_012222.3); short protein forms A190S, A163S, A187S, A47S, A70S, A173S, A177S, A162S.
Identifiers: ClinVar variation 233334 (VCV000233334.26), dbSNP rs764458059, ClinGen allele CA10577730.

ClinVar aggregate classification (germline): Conflicting classifications of pathogenicity. Review status: criteria provided, conflicting classifications (1 of 4 stars). 8 submissions from 8 submitters: Uncertain significance (7); Likely benign (1). Last evaluated 2025-09-26.

Conditions:
Hereditary cancer-predisposing syndrome. Also called: Tumor predisposition; Hereditary neoplastic syndrome; Hereditary Cancer Syndrome; Neoplastic Syndromes, Hereditary. Identifiers: Orphanet 140162, MedGen C0027672, MeSH D009386, MONDO:0015356.
Familial adenomatous polyposis 2. Also called: COLORECTAL ADENOMATOUS POLYPOSIS, AUTOSOMAL RECESSIVE; ADENOMAS, MULTIPLE COLORECTAL, AUTOSOMAL RECESSIVE; Adenomas, multiple colorectal; FAP type 2; MUTYH-associated polyposis; MUTYH Polyposis. Identifiers: Orphanet 220460, Orphanet 247798, MedGen C3272841, MONDO:0012041, OMIM 608456.

Allele frequency attached by ClinVar (database versions not stated): TOPMed 0.00001.
gnomAD v4.1: 3 of 1,614,196 alleles (0.00019%); highest among the groups gnomAD compares: Non-Finnish European, 0.00025%; no homozygotes.

Submissions (8):

Dasa
Classification: Uncertain significance. Last evaluated: 2025-09-26. Review status: criteria provided, single submitter. Criteria: DASA Assertion Criteria. Collection method: clinical testing. Allele origin: germline.
Comment: NM_001048174.2(MUTYH):c.484G>T (p.Ala162Ser) is a missense variant that results in the substitution of alanine with serine. This variant is absent from population databases. Computational prediction algorithms are consistent with a deleterious effect. The currently available literature and clinical evidence are not sufficient to establish a definitive association between this variant and the reported condition. Therefore, this variant is classified as a variant of uncertain significance.

Ambry Genetics
Classification: Likely benign for Hereditary cancer-predisposing syndrome. Last evaluated: 2025-09-09. Review status: criteria provided, single submitter. Criteria: Ambry Variant Classification Scheme 2023. Collection method: clinical testing. Allele origin: germline.

Labcorp Genetics (formerly Invitae), Labcorp
Classification: Uncertain significance for Familial adenomatous polyposis 2. Last evaluated: 2024-11-19. Review status: criteria provided, single submitter. Criteria: Invitae Variant Classification Sherloc (09022015). Collection method: clinical testing. Allele origin: germline.
Comment: This sequence change replaces alanine, which is neutral and non-polar, with serine, which is neutral and polar, at codon 190 of the MUTYH protein (p.Ala190Ser). This variant is not present in population databases (gnomAD no frequency). This missense change has been observed in individual(s) with colorectal cancer (PMID: 35534704). ClinVar contains an entry for this variant (Variation ID: 233334). An algorithm developed to predict the effect of missense changes on protein structure and function (PolyPhen-2) suggests that this variant is likely to be disruptive. In summary, the available evidence is currently insufficient to determine the role of this variant in disease. Therefore, it has been classified as a Variant of Uncertain Significance.

GeneDx
Classification: Uncertain significance. Last evaluated: 2024-05-28. Review status: criteria provided, single submitter. Criteria: GeneDx Variant Classification Process June 2021. Collection method: clinical testing. Allele origin: germline. Affected: yes.
Comment: Not observed at significant frequency in large population cohorts (gnomAD); In silico analysis supports that this missense variant has a deleterious effect on protein structure/function; Observed in individuals with breast or colorectal cancer (PMID: 35264596, 35534704); This variant is associated with the following publications: (PMID: 35264596, 35534704)

Color Diagnostics, LLC DBA Color Health
Classification: Uncertain significance for Hereditary cancer-predisposing syndrome. Last evaluated: 2024-03-06. Review status: criteria provided, single submitter. Criteria: ACMG Guidelines, 2015. Collection method: clinical testing. Allele origin: germline.
Comment: This missense variant replaces alanine with serine at codon 190 of the MUTYH protein. Computational prediction suggests that this variant may have deleterious impact on protein structure and function (internally defined REVEL score threshold >= 0.7, PMID: 27666373). To our knowledge, functional studies have not been reported for this variant. This variant has not been reported in individuals affected with hereditary cancer in the literature. This variant has not been identified in the general population by the Genome Aggregation Database (gnomAD). The available evidence is insufficient to determine the role of this variant in disease conclusively. Therefore, this variant is classified as a Variant of Uncertain Significance.

Baylor Genetics
Classification: Uncertain significance for Familial adenomatous polyposis 2. Last evaluated: 2023-12-28. Review status: criteria provided, single submitter. Criteria: ACMG Guidelines, 2015. Collection method: clinical testing. Allele origin: unknown.

Women's Health and Genetics/Laboratory Corporation of America, LabCorp
Classification: Uncertain significance. Last evaluated: 2019-10-21. Review status: criteria provided, single submitter. Criteria: LabCorp Variant Classification Summary - May 2015. Collection method: clinical testing. Allele origin: germline.
Comment: Variant summary: MUTYH c.568G>T (p.Ala190Ser) results in a conservative amino acid change located in the HhH-GPD domain of the encoded protein sequence. Three of five in-silico tools predict a damaging effect of the variant on protein function. The variant was absent in 251462 control chromosomes. The available data on variant occurrences in the general population are insufficient to allow any conclusion about variant significance. To our knowledge, no occurrence of c.568G>T in individuals affected with MUTYH-associated Polyposis and no experimental evidence demonstrating its impact on protein function have been reported. Three ClinVar submissions (evaluation after 2014) cite the variant as uncertain significance. Based on the evidence outlined above, the variant was classified as uncertain significance.

Mendelics
Classification: Uncertain significance for MYH-associated polyposis. Last evaluated: 2018-07-02. Review status: criteria provided, single submitter. Criteria: Mendelics Assertion Criteria 2017. Collection method: clinical testing. Allele origin: unknown.

Literature cited by the submitters: PubMed 40738107 (cited by Ambry Genetics); PubMed 35534704 (cited by Labcorp Genetics (formerly Invitae), Labcorp).